The following is an entry in ClinVar:

NM_173653.4(SLC9A9):c.1742T>C (p.Ile581Thr)

Gene: SLC9A9 (solute carrier family 9 member A9; minus strand). Cytogenetic location: 3q24.
Variant type: single nucleotide variant.
Coding change: c.1742T>C on transcript NM_173653.4 (MANE Select); coding-DNA position 1742, T replaced by C.
Protein change: p.Ile581Thr; replaces isoleucine 581 with threonine.
Molecular consequence: missense variant.
Genome position (GRCh38, 1-based): chr3:143,266,898, A>G on the plus strand (T>C on the coding strand, the complement: SLC9A9 is on the minus strand). VCF-style: chr3-143266898-A-G. GRCh37 (hg19) VCF-style: chr3-142985740-A-G.
Other names: short protein forms I581T.
Identifiers: ClinVar variation 426935 (VCV000426935.2), dbSNP rs1085307858, ClinGen allele CA354871319.
Genomic context (GRCh38, chr3:143,266,898, plus strand): 5'-GGACTGCAGGGTGAGGAGGCTTGCTCCTGGTAATTTATGGCTAGTTCATCCTGGTTTACA[A>G]TGCATTCCACATCATCCTCTTTTAGCTGTTCCTGGTTGGGAAAAGAGAGAGAGGTGTCAC-3'
Protein context (NP_775924.1, residues 571-591): EQLKEDDVEC[Ile581Thr]VNQDELAINY

ClinVar aggregate classification (germline): Uncertain significance (1 of 4 stars; one submission).

Allele frequency attached by ClinVar (database versions not stated): TOPMed below 0.00001; gnomAD exomes 0.00001 and below 0.00001.
gnomAD v4.1: 3 of 1,614,052 alleles (0.00019%); highest among the groups gnomAD compares: African/African-American, 0.0013%; no homozygotes.

Submission:

GeneDx
Classification: Uncertain significance. Last evaluated: 2017-03-26. Review status: criteria provided, single submitter. Criteria: GeneDx Variant Classification (06012015). Collection method: clinical testing. Allele origin: germline. Affected: yes.
Comment: The I581T variant in the SLC9A9 gene has not been reported previously as a pathogenic variant, nor as a benign variant, to our knowledge. The I581T variant is not observed in large population cohorts (Lek et al., 2016; 1000 Genomes Consortium et al., 2015; Exome Variant Server). The I581T variant is a non-conservative amino acid substitution, which is likely to impact secondary protein structure as these residues differ in polarity, charge, size and/or other properties. This substitution occurs at a position that is conserved across species. In silico analysis is inconsistent in its predictions as to whether or not the variant is damaging to the protein structure/function. We interpret I581T as a variant of uncertain significance.